The following is an entry in ClinVar:

NM_000142.5(FGFR3):c.130G>A (p.Gly44Ser)

Gene: FGFR3 (fibroblast growth factor receptor 3; plus strand). Cytogenetic location: 4p16.3.
Variant type: single nucleotide variant.
Coding change: c.130G>A on transcript NM_000142.5 (MANE Select); coding-DNA position 130, G replaced by A.
Protein change: p.Gly44Ser; replaces glycine 44 with serine.
Molecular consequence: missense variant. On other transcripts: non-coding transcript variant (1).
Genome position (GRCh38, 1-based): chr4:1,799,274, G>A. VCF-style: chr4-1799274-G-A. GRCh37 (hg19) VCF-style: chr4-1801001-G-A.
Other names: c.130G>A, p.Gly44Ser (NM_001163213.2, NM_001354809.2, NM_001354810.2 and 1 more transcripts); short protein forms G44S.
Identifiers: ClinVar variation 134397 (VCV000134397.19), dbSNP rs146080119, ClinGen allele CA159688.
Genomic context (GRCh38, chr4:1,799,274, plus strand): 5'-TTGGGGGTGCCTGCCTCATGGTTGCCCATCTTCCCCACAGAAGTCCCGGGCCCAGAGCCC[G>A]GCCAGCAGGAGCAGTTGGTCTTCGGCAGCGGGGATGCTGTGGAGCTGAGCTGTCCCCCGC-3'
Protein context (NP_000133.1, residues 34-54): RAAEVPGPEP[Gly44Ser]QQEQLVFGSG

ClinVar aggregate classification (germline): Benign/Likely benign. Review status: criteria provided, multiple submitters, no conflicts (2 of 4 stars). 9 submissions from 9 submitters: Benign (1); Likely benign (7). 1 of the submissions does not count toward it. Last evaluated 2026-01-26.

Conditions:
FGFR3-related disorder. Also called: FGFR3-related disorders.
Inborn genetic diseases. Identifiers: MedGen C0950123, MeSH D030342.

Allele frequency attached by ClinVar (database versions not stated): gnomAD exomes 0.00014 and 0.00022; ExAC 0.00029; gnomAD 0.00033 and 0.00036; 1000 Genomes Project 0.00040; 1000 Genomes Project 30x 0.00047; TOPMed 0.00060; ESP Exome Variant Server 0.00070.

Submissions (9):

Labcorp Genetics (formerly Invitae), Labcorp
Classification: Benign. Last evaluated: 2026-01-26. Review status: criteria provided, single submitter. Criteria: Invitae Variant Classification Sherloc (09022015). Collection method: clinical testing. Allele origin: germline.

Women's Health and Genetics/Laboratory Corporation of America, LabCorp
Classification: Likely benign. Last evaluated: 2025-11-11. Review status: criteria provided, single submitter. Criteria: LabCorp Variant Classification Summary - May 2015. Collection method: clinical testing. Allele origin: germline.
Comment: Variant summary: FGFR3 c.130G>A (p.Gly44Ser) results in a non-conservative amino acid change in the encoded protein sequence. Algorithms developed to predict the effect of missense changes on protein structure and function are either unavailable or do not agree on the potential impact of this missense change. The variant allele was found at a frequency of 0.00022 in 244932 control chromosomes, predominantly at a frequency of 0.0015 within the East Asian subpopulation in the gnomAD database, including 1 homozygotes. The observed variant frequency within East Asian control individuals in the gnomAD database exceeds the estimated maximal expected allele frequency for disease-causing variants in FGFR3. To our knowledge, no occurrence of c.130G>A in individuals affected with FGFR3-related conditions and no experimental evidence demonstrating its impact on protein function have been reported. ClinVar contains an entry for this variant (Variation ID: 134397). Based on the evidence outlined above, the variant was classified as likely benign.

PreventionGenetics, part of Exact Sciences
Classification: Likely benign for FGFR3-related condition. Last evaluated: 2024-12-06. Review status: criteria provided, single submitter. Criteria: ACMG Guidelines, 2015. Collection method: clinical testing. Allele origin: germline.
Comment: This variant is classified as likely benign based on ACMG/AMP sequence variant interpretation guidelines (Richards et al. 2015 PMID: 25741868, with internal and published modifications).

Blueprint Genetics
Classification: Likely benign. Last evaluated: 2023-09-26. Review status: criteria provided, single submitter. Criteria: ACMG Guidelines, 2015. Collection method: clinical testing. Allele origin: germline.

Ambry Genetics
Classification: Likely benign for Inborn genetic diseases. Last evaluated: 2021-12-10. Review status: criteria provided, single submitter. Criteria: Ambry Variant Classification Scheme 2023. Collection method: clinical testing. Allele origin: germline.

GeneDx
Classification: Likely benign. Last evaluated: 2021-06-16. Review status: criteria provided, single submitter. Criteria: GeneDx Variant Classification Process June 2021. Collection method: clinical testing. Allele origin: germline. Affected: yes.

Eurofins Ntd Llc (ga)
Classification: Likely benign. Last evaluated: 2016-10-13. Review status: criteria provided, single submitter. Criteria: EGL Classification Definitions 2015. Collection method: clinical testing. Allele origin: germline. Observed: 1 variant allele, 1 heterozygote.

Breakthrough Genomics
Classification: Likely benign. Review status: criteria provided, single submitter. Criteria: ACMG Guidelines, 2015. Collection method: not provided. Allele origin: germline. Inheritance: Autosomal dominant inheritance. Affected: yes.

ITMI
No classification provided. Condition: AllHighlyPenetrant. Last evaluated: 2013-09-19. Review status: no classification provided. Collection method: reference population. Allele origin: germline. Not counted in ClinVar's aggregate classification.
Comment: Please see associated publication for description of ethnicities

Literature cited by the submitters: PubMed 24728327 (cited by ITMI).